The following is an entry in ClinVar:

NM_054027.6(ANKH):c.1466_1467del (p.Glu489fs)

Genes: ANKH (ANKH inorganic pyrophosphate transport regulator; minus strand), OTULIN (OTU deubiquitinase with linear linkage specificity; plus strand). Cytogenetic location: 5p15.2.
Variant type: Microsatellite.
Coding change: c.1466_1467del on transcript NM_054027.6 (MANE Select); coding-DNA positions 1466 to 1467, 2 bases deleted (AG; older notation c.1466_1467delAG).
Protein change: p.Glu489fs; shifts the reading frame from glutamic acid 489.
Molecular consequence: frameshift variant.
Genome position (GRCh38, 1-based): chr5:14,711,209-14,711,210, CT deleted on the plus strand (AG on the coding strand, the reverse complement: ANKH is on the minus strand); deleting any 2 consecutive bases within chr5:14,711,209-14,711,215 gives the same sequence; the c. name uses the placement nearest the transcript's 3' end. VCF-style (leftmost placement, unchanged base first): chr5-14711208-CCT-C. GRCh37 (hg19) VCF-style: chr5-14711317-CCT-C.
Other names: short protein forms E489fs.
Identifiers: ClinVar variation 3629114 (VCV003629114.2).

ClinVar aggregate classification (germline): Uncertain significance (1 of 4 stars; one submission).

Submission:

Labcorp Genetics (formerly Invitae), Labcorp
Classification: Uncertain significance. Last evaluated: 2024-12-24. Review status: criteria provided, single submitter. Criteria: Invitae Variant Classification Sherloc (09022015). Collection method: clinical testing. Allele origin: germline.
Comment: This sequence change creates a premature translational stop signal (p.Glu489Glyfs*3) in the ANKH gene. While this is not anticipated to result in nonsense mediated decay, it is expected to disrupt the last 4 amino acid(s) of the ANKH protein. This variant is present in population databases (no rsID available, gnomAD 0.007%). This variant has not been reported in the literature in individuals affected with ANKH-related conditions. In summary, the available evidence is currently insufficient to determine the role of this variant in disease. Therefore, it has been classified as a Variant of Uncertain Significance.